The following is an entry in ClinVar:

NM_000059.4(BRCA2):c.743C>T (p.Ala248Val)

Gene: BRCA2 (BRCA2 DNA repair associated; plus strand). Cytogenetic location: 13q13.1.
Variant type: single nucleotide variant.
Coding change: c.743C>T on transcript NM_000059.4 (MANE Select); coding-DNA position 743, C replaced by T.
Protein change: p.Ala248Val; replaces alanine 248 with valine.
Molecular consequence: missense variant.
Genome position (GRCh38, 1-based): chr13:32,330,980, C>T. VCF-style: chr13-32330980-C-T. GRCh37 (hg19) VCF-style: chr13-32905117-C-T.
Other names: short protein forms A248V.
Identifiers: ClinVar variation 571569 (VCV000571569.11), dbSNP rs276174893, ClinGen allele CA387760072.

ClinVar aggregate classification (germline): Uncertain significance. Review status: criteria provided, multiple submitters, no conflicts (2 of 4 stars). 3 submissions from 3 submitters: Uncertain significance (3). Last evaluated 2023-07-04.

Conditions:
Hereditary breast ovarian cancer syndrome. Also called: Hereditary breast and ovarian cancer syndrome; Breast and ovarian cancer; Hereditary breast and ovarian cancer; Hereditary breast and/or ovarian cancer syndrome; Hereditary breast and ovarian cancer syndrome (HBOC); BRCA1- and BRCA2-Associated Hereditary Breast and Ovarian Cancer. Identifiers: Orphanet 145, MedGen C0677776, MeSH D061325, MONDO:0003582. Disease mechanism: loss of function.
Familial cancer of breast. Also called: hereditary breast carcinoma; BREAST CANCER, FAMILIAL; Hereditary breast cancer. Identifiers: Orphanet 227535, MedGen C0346153, MONDO:0016419, OMIM 114480. Disease mechanism: loss of function.

Submissions (3):

Baylor Genetics
Classification: Uncertain significance for Familial cancer of breast. Last evaluated: 2023-07-04. Review status: criteria provided, single submitter. Criteria: ACMG Guidelines, 2015. Collection method: clinical testing. Allele origin: unknown.

Labcorp Genetics (formerly Invitae), Labcorp
Classification: Uncertain significance for Hereditary breast ovarian cancer syndrome. Last evaluated: 2023-03-13. Review status: criteria provided, single submitter. Criteria: Invitae Variant Classification Sherloc (09022015). Collection method: clinical testing. Allele origin: germline.
Comment: This sequence change replaces alanine, which is neutral and non-polar, with valine, which is neutral and non-polar, at codon 248 of the BRCA2 protein (p.Ala248Val). This variant is not present in population databases (gnomAD no frequency). This variant has not been reported in the literature in individuals affected with BRCA2-related conditions. ClinVar contains an entry for this variant (Variation ID: 571569). Advanced modeling of protein sequence and biophysical properties (such as structural, functional, and spatial information, amino acid conservation, physicochemical variation, residue mobility, and thermodynamic stability) performed at Invitae indicates that this missense variant is not expected to disrupt BRCA2 protein function. Algorithms developed to predict the effect of sequence changes on RNA splicing suggest that this variant may create or strengthen a splice site. In summary, the available evidence is currently insufficient to determine the role of this variant in disease. Therefore, it has been classified as a Variant of Uncertain Significance.

Quest Diagnostics Nichols Institute San Juan Capistrano
Classification: Uncertain significance. Last evaluated: 2023-01-27. Review status: criteria provided, single submitter. Criteria: Quest Diagnostics criteria. Collection method: clinical testing. Allele origin: unknown.
Comment: It has not been reported in large, multi-ethnic general populations. The variant has not been reported in individuals with BRCA2-related disease in the published literature. Analysis of this variant using bioinformatics tools for the prediction of the effect of amino acid changes on protein structure and function yielded predictions that this variant is benign. Based on the available information, we are unable to determine the clinical significance of this variant.

Literature cited by the submitters: PubMed 31911673 (cited by Quest Diagnostics Nichols Institute San Juan Capistrano); PubMed 32377563 (cited by Quest Diagnostics Nichols Institute San Juan Capistrano).